The following is an entry in ClinVar:

ClinVar aggregate classification (germline): Uncertain significance. Review status: criteria provided, multiple submitters, no conflicts (2 of 4 stars). 7 submissions from 7 submitters: Uncertain significance (6). 1 of the submissions does not count toward it. Last evaluated 2024-10-25.

Conditions:
Fanconi anemia (FA). Also called: Fanconi's anemia. Identifiers: Orphanet 84, MedGen C0015625, MeSH D005199, MONDO:0019391.
Fanconi anemia complementation group C (FANCC). Also called: FANCONI PANCYTOPENIA, TYPE 3; FACC; FANCC-Related Fanconi Anemia; Fanconi anemia, group C. Identifiers: Orphanet 84, MedGen C3468041, MONDO:0009213, OMIM 227645.
Hereditary cancer-predisposing syndrome. Also called: Tumor predisposition; Hereditary Cancer Syndrome; Hereditary neoplastic syndrome; Neoplastic Syndromes, Hereditary. Identifiers: Orphanet 140162, MedGen C0027672, MeSH D009386, MONDO:0015356.

Allele frequency attached by ClinVar (database versions not stated): gnomAD 0.00002; TOPMed 0.00002; ExAC 0.00004.
gnomAD v4.1: 102 of 1,613,702 alleles (0.0063%); highest among the groups gnomAD compares: Non-Finnish European, 0.0081%; no homozygotes.

Submissions (7):

Ambry Genetics
Classification: Uncertain significance for Hereditary cancer-predisposing syndrome. Last evaluated: 2024-10-25. Review status: criteria provided, single submitter. Criteria: Ambry Variant Classification Scheme 2023. Collection method: clinical testing. Allele origin: germline.
Comment: The p.H207L variant (also known as c.620A>T), located in coding exon 6 of the FANCC gene, results from an A to T substitution at nucleotide position 620. The histidine at codon 207 is replaced by leucine, an amino acid with similar properties. This alteration has been reported in a cohort of breast cancer families (Thompson ER et al. PLoS Genet., 2012 Sep;8:e1002894). This amino acid position is well conserved in available vertebrate species. In addition, the in silico prediction for this alteration is inconclusive. Based on the available evidence, the clinical significance of this variant remains unclear.

Labcorp Genetics (formerly Invitae), Labcorp
Classification: Uncertain significance for Fanconi anemia. Last evaluated: 2024-04-08. Review status: criteria provided, single submitter. Criteria: Invitae Variant Classification Sherloc (09022015). Collection method: clinical testing. Allele origin: germline.
Comment: This sequence change replaces histidine, which is basic and polar, with leucine, which is neutral and non-polar, at codon 207 of the FANCC protein (p.His207Leu). This variant is present in population databases (rs202038890, gnomAD 0.004%). This missense change has been observed in individual(s) with breast cancer and serous cystadenoma (PMID: 23028338, 28767289). ClinVar contains an entry for this variant (Variation ID: 409651). Advanced modeling of protein sequence and biophysical properties (such as structural, functional, and spatial information, amino acid conservation, physicochemical variation, residue mobility, and thermodynamic stability) has been performed at Invitae for this missense variant, however the output from this modeling did not meet the statistical confidence thresholds required to predict the impact of this variant on FANCC protein function. In summary, the available evidence is currently insufficient to determine the role of this variant in disease. Therefore, it has been classified as a Variant of Uncertain Significance.

GeneDx
Classification: Uncertain significance. Last evaluated: 2023-03-29. Review status: criteria provided, single submitter. Criteria: GeneDx Variant Classification Process June 2021. Collection method: clinical testing. Allele origin: germline. Affected: yes.
Comment: Not observed at significant frequency in large population cohorts (gnomAD); In silico analysis supports that this missense variant has a deleterious effect on protein structure/function; This variant is associated with the following publications: (PMID: 23028338, 28767289, Gordon2000[Book])

Fulgent Genetics
Classification: Uncertain significance for Fanconi anemia complementation group C. Last evaluated: 2022-03-16. Review status: criteria provided, single submitter. Criteria: ACMG Guidelines, 2015. Collection method: clinical testing. Allele origin: unknown.

Sema4
Classification: Uncertain significance for Fanconi anemia. Last evaluated: 2021-05-07. Review status: criteria provided, single submitter. Criteria: Sema4 Curation Guidelines. Collection method: curation. Allele origin: germline.
Comment: The FANCC c.620A>T (p.H207L) variant has been reported in heterozygosity in at least two families with breast cancer and in at least one individual with serous cystadenoma (PMID: 28767289, 23028338). It was observed in 4/113364 chromosomes in the Non-Finnish European subpopulation in the large and broad cohorts of the Genome Aggregation Database (PMID: 32461654). The variant has been reported in ClinVar (Variation ID: 409651). In silico tools suggest the impact of the variant on protein function is inconclusive, though these predictions have not been confirmed by functional studies. The evidence is insufficient to meet ACMG/AMP criteria for classifying the variant as benign or pathogenic. Thus, the clinical significance of this variant is currently uncertain.

Department of Pathology and Laboratory Medicine, Sinai Health System
Classification: Uncertain significance for Fanconi anemia complementation group C. Last evaluated: 2020-08-19. Review status: criteria provided, single submitter. Criteria: ACMG Guidelines, 2015. Collection method: clinical testing. Allele origin: germline. Affected: yes.

Natera, Inc.
Classification: Uncertain significance for Fanconi anemia. Last evaluated: 2018-09-17. Review status: no assertion criteria provided. Collection method: clinical testing. Allele origin: germline. Not counted in ClinVar's aggregate classification.

Literature cited by the submitters: PubMed 23028338 (cited by 4 submitters); PubMed 28767289 (cited by 3 submitters).

NM_000136.3(FANCC):c.620A>T (p.His207Leu)

Genes: AOPEP (aminopeptidase O (putative); plus strand), FANCC (FA complementation group C; minus strand). Cytogenetic location: 9q22.32.
Variant type: single nucleotide variant.
Coding change: c.620A>T on transcript NM_000136.3 (MANE Select); coding-DNA position 620, A replaced by T.
Protein change: p.His207Leu; replaces histidine 207 with leucine.
Molecular consequence: missense variant.
Genome position (GRCh38, 1-based): chr9:95,149,989, T>A on the plus strand (A>T on the coding strand, the complement: FANCC is on the minus strand). VCF-style: chr9-95149989-T-A. GRCh37 (hg19) VCF-style: chr9-97912271-T-A.
Other names: c.620A>T, p.His207Leu (NM_001243743.2, NM_001243744.2); short protein forms H207L.
Identifiers: ClinVar variation 409651 (VCV000409651.20), dbSNP rs202038890, ClinGen allele CA5137683.